The following is an entry in ClinVar:

ClinVar aggregate classification (germline): Uncertain significance (1 of 4 stars; one submission).

gnomAD v4.1: 1 of 1,614,212 alleles (0.000062%); highest among the groups gnomAD compares: Admixed American, 0.0017%; no homozygotes.

Submission:

Labcorp Genetics (formerly Invitae), Labcorp
Classification: Uncertain significance. Last evaluated: 2025-09-29. Review status: criteria provided, single submitter. Criteria: Invitae Variant Classification Sherloc (09022015). Collection method: clinical testing. Allele origin: germline.
Comment: This sequence change replaces histidine, which is basic and polar, with arginine, which is basic and polar, at codon 301 of the FHOD3 protein (p.His301Arg). This variant is present in population databases (no rsID available, gnomAD 0.003%). This variant has not been reported in the literature in individuals affected with FHOD3-related conditions. An algorithm developed to predict the effect of missense changes on protein structure and function (PolyPhen-2) suggests that this variant is likely to be disruptive. In summary, the available evidence is currently insufficient to determine the role of this variant in disease. Therefore, it has been classified as a Variant of Uncertain Significance.

NM_001281740.3(FHOD3):c.902A>G (p.His301Arg)

Gene: FHOD3 (formin homology 2 domain containing 3; plus strand). Cytogenetic location: 18q12.2.
Variant type: single nucleotide variant.
Coding change: c.902A>G on transcript NM_001281740.3 (MANE Select); coding-DNA position 902, A replaced by G.
Protein change: p.His301Arg; replaces histidine 301 with arginine.
Molecular consequence: missense variant.
Genome position (GRCh38, 1-based): chr18:36,612,040, A>G. VCF-style: chr18-36612040-A-G. GRCh37 (hg19) VCF-style: chr18-34192003-A-G.
Other names: c.902A>G, p.His301Arg (NM_001281739.3, NM_025135.5); short protein forms H301R.
Identifiers: ClinVar variation 4728100 (VCV004728100.1).